The following is an entry in ClinVar:

NM_000051.4(ATM):c.7427G>A (p.Ser2476Asn)

Genes: ATM (ATM serine/threonine kinase; plus strand), C11orf65 (chromosome 11 open reading frame 65; minus strand). Cytogenetic location: 11q22.3.
Variant type: single nucleotide variant.
Coding change: c.7427G>A on transcript NM_000051.4 (MANE Select); coding-DNA position 7427, G replaced by A.
Protein change: p.Ser2476Asn; replaces serine 2476 with asparagine.
Molecular consequence: missense variant. On other transcripts: intron variant (2).
Genome position (GRCh38, 1-based): chr11:108,330,333, G>A. VCF-style: chr11-108330333-G-A. GRCh37 (hg19) VCF-style: chr11-108201060-G-A.
Other names: c.7427G>A, p.Ser2476Asn (NM_001351834.2); c.641-21262C>T (NM_001330368.2); c.*38+4887C>T (NM_001351110.2); short protein forms S2476N.
Identifiers: ClinVar variation 664492 (VCV000664492.11), dbSNP rs1591160841, ClinGen allele CA382560229.
Genomic context (GRCh38, chr11:108,330,333, plus strand): 5'-AAGAGGATCGTAAACGCTTCTTATGTAAAGCAGTTGAAAATTATATCAACTGCTTATTAA[G>A]TGGAGAAGAACATGATATGTGGGTATTCCGACTTTGTTCCCTCTGGCTTGAAAATTCTGG-3'
Protein context (NP_000042.3, residues 2466-2486): AVENYINCLL[Ser2476Asn]GEEHDMWVFR

ClinVar aggregate classification (germline): Uncertain significance (1 of 4 stars; one submission).

Conditions:
Ataxia-telangiectasia syndrome (AT). Also called: Ataxia-telangiectasia, complementation group D; AT, COMPLEMENTATION GROUP C; ATAXIA-TELANGIECTASIA, COMPLEMENTATION GROUP A; ATAXIA-TELANGIECTASIA, FRESNO VARIANT; Ataxia-telangiectasia; LOUIS-BAR SYNDROME. Identifiers: Orphanet 100, MedGen C0004135, MONDO:0008840, OMIM 208900.

Submission:

Labcorp Genetics (formerly Invitae), Labcorp
Classification: Uncertain significance for Ataxia-telangiectasia syndrome. Last evaluated: 2019-11-14. Review status: criteria provided, single submitter. Criteria: Invitae Variant Classification Sherloc (09022015). Collection method: clinical testing. Allele origin: germline.
Comment: This variant is not present in population databases (ExAC no frequency). This sequence change replaces serine with asparagine at codon 2476 of the ATM protein (p.Ser2476Asn). The serine residue is moderately conserved and there is a small physicochemical difference between serine and asparagine. In summary, the available evidence is currently insufficient to determine the role of this variant in disease. Therefore, it has been classified as a Variant of Uncertain Significance. Algorithms developed to predict the effect of missense changes on protein structure and function (SIFT, PolyPhen-2, Align-GVGD) all suggest that this variant is likely to be tolerated, but these predictions have not been confirmed by published functional studies and their clinical significance is uncertain. This variant has not been reported in the literature in individuals with ATM-related disease.